The following is an entry in ClinVar:

ClinVar aggregate classification (germline): Uncertain significance (1 of 4 stars; one submission).

Submission:

GeneDx
Classification: Uncertain significance. Last evaluated: 2023-03-21. Review status: criteria provided, single submitter. Criteria: GeneDx Variant Classification Process June 2021. Collection method: clinical testing. Allele origin: germline. Affected: yes.
Comment: Not observed at significant frequency in large population cohorts (gnomAD); In silico analysis supports that this missense variant does not alter protein structure/function; Has not been previously published as pathogenic or benign to our knowledge

NM_052874.5(STX1B):c.699G>T (p.Glu233Asp)

Gene: STX1B (syntaxin 1B; minus strand). Cytogenetic location: 16p11.2.
Variant type: single nucleotide variant.
Coding change: c.699G>T on transcript NM_052874.5 (MANE Select); coding-DNA position 699, G replaced by T.
Protein change: p.Glu233Asp; replaces glutamic acid 233 with aspartic acid.
Molecular consequence: missense variant.
Genome position (GRCh38, 1-based): chr16:30,993,217, C>A on the plus strand (G>T on the coding strand, the complement: STX1B is on the minus strand). VCF-style: chr16-30993217-C-A. GRCh37 (hg19) VCF-style: chr16-31004538-C-A.
Other names: short protein forms E233D.
Identifiers: ClinVar variation 2580528 (VCV002580528.1), dbSNP rs945862120, ClinGen allele CA395646911.